The following is an entry in ClinVar:

NM_004646.4(NPHS1):c.225del (p.Arg76fs)

Genes: KIRREL2 (kirre like nephrin family adhesion molecule 2; plus strand), NPHS1 (NPHS1 adhesion molecule, nephrin; minus strand). Cytogenetic location: 19q13.12.
Variant type: Deletion.
Coding change: c.225del on transcript NM_004646.4 (MANE Select); coding-DNA position 225, one base deleted (C; older notation c.225delC).
Protein change: p.Arg76fs; shifts the reading frame from arginine 76.
Molecular consequence: frameshift variant.
Genome position (GRCh38, 1-based): chr19:35,851,506, G deleted on the plus strand (C on the coding strand, the reverse complement: NPHS1 is on the minus strand); the first of 4 consecutive G bases (chr19:35,851,506-35,851,509); deleting any one gives the same sequence. VCF-style (leftmost placement, unchanged base first): chr19-35851505-TG-T. GRCh37 (hg19) VCF-style: chr19-36342407-TG-T.
Other names: c.225delC (NM_004646.3); short protein forms R76fs.
Identifiers: ClinVar variation 1975587 (VCV001975587.8), dbSNP rs2513785725, ClinGen allele CA2580096902.
Genomic context (GRCh38, chr19:35,851,505, plus strand): 5'-CTGATCCCTTACCTCTAGCAGGGTCCCCTTCCAGGCGGTACCTCGGGAAGCCTGGGATCC[TG>T]GGGTCGGGGCCCAGGAGCAGCCCATCTTTGGCCCATTGCACCGCACTGCCAGGGGTGCTG-3'

ClinVar aggregate classification (germline): Pathogenic/Likely pathogenic. Review status: criteria provided, multiple submitters, no conflicts (2 of 4 stars). 3 submissions from 3 submitters: Pathogenic (1); Likely pathogenic (2). Last evaluated 2024-04-16.

Conditions:
Finnish congenital nephrotic syndrome (NPHS1). Also called: NEPHROTIC SYNDROME, TYPE 1. Identifiers: Orphanet 839, MedGen C0403399, MONDO:0009732, OMIM 256300.

Submissions (3):

Natera, Inc.
Classification: Likely pathogenic for Finnish congenital nephrotic syndrome. Last evaluated: 2024-04-16. Review status: criteria provided, single submitter. Criteria: Natera Variant Classification Schema (03/2026). Collection method: clinical testing. Allele origin: germline.
Comment: The c.225delC variant in NPHS1 is a frameshift variant predicted to shift the reading frame beginning at codon 76 and leads to a stop codon 52 codons downstream. This variant is expected to result in nonsense mediated decay, truncation, or a dysfunctional protein product. This variant is rare in the general population with a frequency below the threshold expected for the associated phenotype(s). Given the available evidence, this variant is classified as Likely Pathogenic.

Fulgent Genetics
Classification: Likely pathogenic for Finnish congenital nephrotic syndrome. Last evaluated: 2024-03-27. Review status: criteria provided, single submitter. Criteria: ACMG Guidelines, 2015. Collection method: clinical testing. Allele origin: germline.

Labcorp Genetics (formerly Invitae), Labcorp
Classification: Pathogenic. Last evaluated: 2022-05-16. Review status: criteria provided, single submitter. Criteria: Invitae Variant Classification Sherloc (09022015). Collection method: clinical testing. Allele origin: germline.
Comment: This sequence change creates a premature translational stop signal (p.Arg76Glyfs*52) in the NPHS1 gene. It is expected to result in an absent or disrupted protein product. Loss-of-function variants in NPHS1 are known to be pathogenic (PMID: 11317351, 11854170, 12039988). This variant is not present in population databases (gnomAD no frequency). This variant has not been reported in the literature in individuals affected with NPHS1-related conditions. For these reasons, this variant has been classified as Pathogenic.

Literature cited by the submitters: PubMed 11317351 (cited by Labcorp Genetics (formerly Invitae), Labcorp); PubMed 11854170 (cited by Labcorp Genetics (formerly Invitae), Labcorp); PubMed 12039988 (cited by Labcorp Genetics (formerly Invitae), Labcorp).